The following is an entry in ClinVar:

NM_012144.4(DNAI1):c.980A>T (p.Asn327Ile)

Gene: DNAI1 (dynein axonemal intermediate chain 1; plus strand). Cytogenetic location: 9p13.3.
Variant type: single nucleotide variant.
Coding change: c.980A>T on transcript NM_012144.4 (MANE Select); coding-DNA position 980, A replaced by T.
Protein change: p.Asn327Ile; replaces asparagine 327 with isoleucine.
Molecular consequence: missense variant.
Genome position (GRCh38, 1-based): chr9:34,500,800, A>T. VCF-style: chr9-34500800-A-T. GRCh37 (hg19) VCF-style: chr9-34500798-A-T.
Other names: c.992A>T, p.Asn331Ile (NM_001281428.2); short protein forms N331I, N327I.
Identifiers: ClinVar variation 2848994 (VCV002848994.3), dbSNP rs201547687, ClinGen allele CA192641748.
Genomic context (GRCh38, chr9:34,500,800, plus strand): 5'-ATGCTGCTGATGAATACCGGGACCAGGTGGGTACCCTGCTGCCGCTCTGGAAGTTCCAAA[A>T]TGACAAAGCCAAGCGCCTGTCCGTCACTGCCCTCTGCTGGTAAGTATAGGCATTGCAGCA-3'
Protein context (NP_036276.1, residues 317-337): GTLLPLWKFQ[Asn327Ile]DKAKRLSVTA

ClinVar aggregate classification (germline): Uncertain significance (1 of 4 stars; one submission).

Conditions:
Primary ciliary dyskinesia. Also called: Ciliary dyskinesia. Identifiers: Orphanet 244, MedGen C0008780, MONDO:0016575, HP:0012265.

Allele frequency attached by ClinVar (database versions not stated): TOPMed below 0.00001; gnomAD exomes 0.00001.
gnomAD v4.1: 3 of 1,614,136 alleles (0.00019%); no homozygotes.

Submission:

Labcorp Genetics (formerly Invitae), Labcorp
Classification: Uncertain significance for Primary ciliary dyskinesia. Last evaluated: 2024-10-08. Review status: criteria provided, single submitter. Criteria: Invitae Variant Classification Sherloc (09022015). Collection method: clinical testing. Allele origin: germline.
Comment: This sequence change replaces asparagine, which is neutral and polar, with isoleucine, which is neutral and non-polar, at codon 327 of the DNAI1 protein (p.Asn327Ile). This variant is not present in population databases (gnomAD no frequency). This variant has not been reported in the literature in individuals affected with DNAI1-related conditions. Invitae Evidence Modeling of protein sequence and biophysical properties (such as structural, functional, and spatial information, amino acid conservation, physicochemical variation, residue mobility, and thermodynamic stability) indicates that this missense variant is not expected to disrupt DNAI1 protein function with a negative predictive value of 80%. In summary, the available evidence is currently insufficient to determine the role of this variant in disease. Therefore, it has been classified as a Variant of Uncertain Significance.